The following is an entry in ClinVar:

NM_174878.3(CLRN1):c.40G>T (p.Gly14Ter)

Gene: CLRN1 (clarin 1; minus strand). Cytogenetic location: 3q25.1.
Variant type: single nucleotide variant.
Coding change: c.40G>T on transcript NM_174878.3 (MANE Select); coding-DNA position 40, G replaced by T.
Protein change: p.Gly14Ter; replaces glycine 14 with a stop codon.
Molecular consequence: nonsense. On other transcripts: non-coding transcript variant (1).
Genome position (GRCh38, 1-based): chr3:150,972,669, C>A on the plus strand (G>T on the coding strand, the complement: CLRN1 is on the minus strand). VCF-style: chr3-150972669-C-A. GRCh37 (hg19) VCF-style: chr3-150690456-C-A.
Other names: c.40G>T, p.Gly14Ter (NM_001195794.1, NM_001256819.2); short protein forms G14*.
Identifiers: ClinVar variation 558249 (VCV000558249.3), dbSNP rs1553776112, ClinGen allele CA355012178.

ClinVar aggregate classification (germline): Pathogenic. Review status: criteria provided, single submitter (1 of 4 stars). 2 submissions from 2 submitters: Pathogenic (1). 1 of the submissions does not count toward it. Last evaluated 2026-04-03.

Conditions:
Usher syndrome type 3A (USH3A). Also called: USHER SYNDROME, TYPE IIIA. Identifiers: MedGen C5779850, MONDO:0010170, OMIM 276902.
Usher syndrome type 3. Also called: Usher Syndrome, Type III. Identifiers: Orphanet 231183, MedGen C1568248, MONDO:0016485.

gnomAD v4.1: 2 of 1,614,160 alleles (0.00012%); highest among the groups gnomAD compares: South Asian, 0.0022%; no homozygotes.

Submissions (2):

Women's Health and Genetics/Laboratory Corporation of America, LabCorp
Classification: Pathogenic for Usher syndrome type 3. Last evaluated: 2026-04-03. Review status: criteria provided, single submitter. Criteria: LabCorp Variant Classification Summary - May 2015. Collection method: clinical testing. Allele origin: germline.
Comment: Variant summary: CLRN1 c.40G>T (p.Gly14X) results in a premature termination codon, predicted to cause a truncation of the encoded protein or absence of the protein due to nonsense mediated decay, which are commonly known mechanisms for disease. The variant was absent in 251266 control chromosomes. To our knowledge, no occurrence of c.40G>T in individuals affected with CLRN1-related conditions and no experimental evidence demonstrating its impact on protein function have been reported. ClinVar contains an entry for this variant (Variation ID: 558249). Based on the evidence outlined above, the variant was classified as pathogenic.

Counsyl
Classification: Likely pathogenic for Usher syndrome type 3A. Last evaluated: 2018-05-08. Review status: no assertion criteria provided. Collection method: clinical testing. Allele origin: unknown. Not counted in ClinVar's aggregate classification.